The following is an entry in ClinVar:

ClinVar aggregate classification (germline): Uncertain significance (1 of 4 stars; one submission).

Submission:

Ambry Genetics
Classification: Uncertain significance. Last evaluated: 2024-08-09. Review status: criteria provided, single submitter. Criteria: Ambry Variant Classification Scheme 2023. Collection method: clinical testing. Allele origin: germline.
Comment: The p.S11T variant (also known as c.32G>C), located in coding exon 1 of the EGLN2 gene, results from a G to C substitution at nucleotide position 32. The serine at codon 11 is replaced by threonine, an amino acid with similar properties. This amino acid position is conserved. In addition, this alteration is predicted to be tolerated by in silico analysis. Based on the available evidence, the clinical significance of this variant remains unclear.

NM_080732.4(EGLN2):c.32G>C (p.Ser11Thr)

Genes: EGLN2 (egl-9 family hypoxia inducible factor 2; plus strand), RAB4B-EGLN2 (RAB4B-EGLN2 readthrough (NMD candidate); plus strand). Cytogenetic location: 19q13.2.
Variant type: single nucleotide variant.
Coding change: c.32G>C on transcript NM_080732.4 (MANE Select); coding-DNA position 32, G replaced by C.
Protein change: p.Ser11Thr; replaces serine 11 with threonine.
Molecular consequence: missense variant. On other transcripts: non-coding transcript variant (1).
Genome position (GRCh38, 1-based): chr19:40,800,604, G>C. VCF-style: chr19-40800604-G-C. GRCh37 (hg19) VCF-style: chr19-41306509-G-C.
Other names: c.32G>C, p.Ser11Thr (NM_053046.4); short protein forms S11T.
Identifiers: ClinVar variation 3507271 (VCV003507271.1).